The following is an entry in ClinVar:

ClinVar aggregate classification (germline): Uncertain significance. Review status: criteria provided, multiple submitters, no conflicts (2 of 4 stars). 2 submissions from 2 submitters: Uncertain significance (2). Last evaluated 2024-09-06.

Conditions:
Hajdu-Cheney syndrome (HJCYS). Also called: SERPENTINE FIBULA-POLYCYSTIC KIDNEY SYNDROME; ACROOSTEOLYSIS WITH OSTEOPOROSIS AND CHANGES IN SKULL AND MANDIBLE; Acroosteolysis dominant type. Identifiers: Orphanet 955, MedGen C0917715, MONDO:0007057, OMIM 102500.

Allele frequency attached by ClinVar (database versions not stated): gnomAD 0.00001; gnomAD exomes 0.00001; TOPMed 0.00001.
gnomAD v4.1: 11 of 1,612,550 alleles (0.00068%); highest among the groups gnomAD compares: Admixed American, 0.017%; no homozygotes.

Submissions (2):

Labcorp Genetics (formerly Invitae), Labcorp
Classification: Uncertain significance for Hajdu-Cheney syndrome. Last evaluated: 2024-09-06. Review status: criteria provided, single submitter. Criteria: Invitae Variant Classification Sherloc (09022015). Collection method: clinical testing. Allele origin: germline.
Comment: This sequence change replaces valine, which is neutral and non-polar, with leucine, which is neutral and non-polar, at codon 489 of the NOTCH2 protein (p.Val489Leu). This variant is present in population databases (no rsID available, gnomAD 0.006%). This missense change has been observed in individual(s) with cleft lip/palate (PMID: 27456059). ClinVar contains an entry for this variant (Variation ID: 593145). Invitae Evidence Modeling of protein sequence and biophysical properties (such as structural, functional, and spatial information, amino acid conservation, physicochemical variation, residue mobility, and thermodynamic stability) indicates that this missense variant is not expected to disrupt NOTCH2 protein function with a negative predictive value of 95%. In summary, the available evidence is currently insufficient to determine the role of this variant in disease. Therefore, it has been classified as a Variant of Uncertain Significance.

Eurofins Ntd Llc (ga)
Classification: Uncertain significance. Last evaluated: 2017-07-07. Review status: criteria provided, single submitter. Criteria: EGL Classification Definitions 2015. Collection method: clinical testing. Allele origin: germline. Observed: 1 variant allele, 1 heterozygote.

Literature cited by the submitters: PubMed 27456059 (cited by Labcorp Genetics (formerly Invitae), Labcorp).

NM_024408.4(NOTCH2):c.1465G>T (p.Val489Leu)

Gene: NOTCH2 (notch receptor 2; minus strand). Cytogenetic location: 1p12.
Variant type: single nucleotide variant.
Coding change: c.1465G>T on transcript NM_024408.4 (MANE Select); coding-DNA position 1465, G replaced by T.
Protein change: p.Val489Leu; replaces valine 489 with leucine.
Molecular consequence: missense variant.
Genome position (GRCh38, 1-based): chr1:119,966,478, C>A on the plus strand (G>T on the coding strand, the complement: NOTCH2 is on the minus strand). VCF-style: chr1-119966478-C-A. GRCh37 (hg19) VCF-style: chr1-120509101-C-A.
Other names: c.1465G>T, p.Val489Leu (NM_001200001.2); short protein forms V489L.
Identifiers: ClinVar variation 593145 (VCV000593145.7), dbSNP rs1553199690, ClinGen allele CA341877055.